The following is an entry in ClinVar:

NM_015295.3(SMCHD1):c.507+137A>G

Gene: SMCHD1 (structural maintenance of chromosomes flexible hinge domain containing 1; plus strand). Cytogenetic location: 18p11.32.
Variant type: single nucleotide variant.
Coding change: c.507+137A>G on transcript NM_015295.3 (MANE Select); 137 bases into the intron after coding-DNA position 507, A replaced by G.
Molecular consequence: intron variant.
Genome position (GRCh38, 1-based): chr18:2,673,500, A>G. VCF-style: chr18-2673500-A-G. GRCh37 (hg19) VCF-style: chr18-2673499-A-G.
Identifiers: ClinVar variation 1693064 (VCV001693064.2), dbSNP rs138332007, ClinGen allele CA295463757.

ClinVar aggregate classification (germline): Likely benign (1 of 4 stars; one submission).

Allele frequency attached by ClinVar (database versions not stated): gnomAD exomes 0.00036; 1000 Genomes Project 0.00319; 1000 Genomes Project 30x 0.00344; gnomAD 0.00416 and 0.00450; TOPMed 0.00445.
gnomAD v4.1: 852 of 714,420 alleles (0.12%); highest among the groups gnomAD compares: African/African-American, 1.4%; 4 homozygotes.

Submission:

GeneDx
Classification: Likely benign. Last evaluated: 2021-12-21. Review status: criteria provided, single submitter. Criteria: GeneDx Variant Classification Process June 2021. Collection method: clinical testing. Allele origin: germline. Affected: yes.
Comment: See Variant Classification Assertion Criteria.